The following is an entry in ClinVar:

NM_005562.3(LAMC2):c.*13T>G

Gene: LAMC2 (laminin subunit gamma 2; plus strand). Cytogenetic location: 1q25.3.
Variant type: single nucleotide variant.
Coding change: c.*13T>G on transcript NM_005562.3 (MANE Select); 13 bases downstream of the stop codon, T replaced by G.
Molecular consequence: 3 prime UTR variant.
Genome position (GRCh38, 1-based): chr1:183,243,413, T>G. VCF-style: chr1-183243413-T-G. GRCh37 (hg19) VCF-style: chr1-183212548-T-G.
Identifiers: ClinVar variation 294025 (VCV000294025.9), dbSNP rs3768593, ClinGen allele CA1283282.

ClinVar aggregate classification (germline): Benign. Review status: criteria provided, multiple submitters, no conflicts (2 of 4 stars). 3 submissions from 3 submitters: Benign (3). Last evaluated 2021-07-08.

Conditions:
Junctional epidermolysis bullosa gravis of Herlitz. Also called: EPIDERMOLYSIS BULLOSA JUNCTIONALIS, HERLITZ TYPE; EPIDERMOLYSIS BULLOSA, JUNCTIONAL, HERLITZ-PEARSON TYPE; JEB-HERLITZ TYPE; Epidermolysis Bullosa Letalis; EPIDERMOLYSIS BULLOSA, JUNCTIONAL 1B, SEVERE; Herlitz-type junctional epidermolysis bullosa. Identifiers: Orphanet 79404, MedGen C0079683, MONDO:0009182, OMIM 226700.
Junctional epidermolysis bullosa. Identifiers: Orphanet 305, MedGen C0079301, MONDO:0017612.

Allele frequency attached by ClinVar (database versions not stated): gnomAD exomes 0.23969; TOPMed 0.25799; 1000 Genomes Project 0.31090; gnomAD 0.23969 and 0.24381; ExAC 0.23716; 1000 Genomes Project 30x 0.31418; ESP Exome Variant Server 0.22962.

Submissions (3):

Genome-Nilou Lab
Classification: Benign for Junctional epidermolysis bullosa gravis of Herlitz. Last evaluated: 2021-07-08. Review status: criteria provided, single submitter. Criteria: ACMG Guidelines, 2015. Collection method: clinical testing. Allele origin: germline. Affected: no.

Illumina Laboratory Services, Illumina
Classification: Benign for Junctional epidermolysis bullosa. Last evaluated: 2018-01-13. Review status: criteria provided, single submitter. Criteria: ICSL Variant Classification Criteria 13 December 2019. Collection method: clinical testing. Allele origin: germline.
Comment: This variant was observed in the ICSL laboratory as part of a predisposition screen in an ostensibly healthy population. It had not been previously curated by ICSL or reported in the Human Gene Mutation Database (HGMD: prior to June 1st, 2018), and was therefore a candidate for classification through an automated scoring system. Utilizing variant allele frequency, disease prevalence and penetrance estimates, and inheritance mode, an automated score was calculated to assess if this variant is too frequent to cause the disease. Based on the score and internal cut-off values, a variant classified as benign is not then subjected to further curation. The score for this variant resulted in a classification of benign for this disease.

Breakthrough Genomics
Classification: Benign. Review status: criteria provided, single submitter. Criteria: ACMG Guidelines, 2015. Collection method: not provided. Allele origin: germline. Inheritance: Autosomal recessive inheritance. Affected: yes.